The following is an entry in ClinVar:

NM_006245.4(PPP2R5D):c.1369C>T (p.His457Tyr)

Gene: PPP2R5D (protein phosphatase 2 regulatory subunit B'delta; plus strand). Cytogenetic location: 6p21.1.
Variant type: single nucleotide variant.
Coding change: c.1369C>T on transcript NM_006245.4 (MANE Select); coding-DNA position 1369, C replaced by T.
Protein change: p.His457Tyr; replaces histidine 457 with tyrosine.
Molecular consequence: missense variant.
Genome position (GRCh38, 1-based): chr6:43,009,439, C>T. VCF-style: chr6-43009439-C-T. GRCh37 (hg19) VCF-style: chr6-42977177-C-T.
Other names: c.916C>T, p.His306Tyr (NM_001270476.2); c.1273C>T, p.His425Tyr (NM_180976.3); c.1051C>T, p.His351Tyr (NM_180977.3); short protein forms H306Y, H351Y, H425Y, H457Y.
Identifiers: ClinVar variation 1365666 (VCV001365666.8), dbSNP rs2150281533, ClinGen allele CA364194771.

ClinVar aggregate classification (germline): Uncertain significance (1 of 4 stars; one submission).

gnomAD v4.1: 2 of 1,614,106 alleles (0.00012%); highest among the groups gnomAD compares: Non-Finnish European, 0.00017%; no homozygotes.

Submission:

Labcorp Genetics (formerly Invitae), Labcorp
Classification: Uncertain significance. Last evaluated: 2021-07-13. Review status: criteria provided, single submitter. Criteria: Invitae Variant Classification Sherloc (09022015). Collection method: clinical testing. Allele origin: germline.
Comment: This variant is not present in population databases (ExAC no frequency). This sequence change replaces histidine with tyrosine at codon 457 of the PPP2R5D protein (p.His457Tyr). The histidine residue is highly conserved and there is a moderate physicochemical difference between histidine and tyrosine. This variant has not been reported in the literature in individuals affected with PPP2R5D-related conditions. Algorithms developed to predict the effect of missense changes on protein structure and function are either unavailable or do not agree on the potential impact of this missense change (SIFT: "Tolerated"; PolyPhen-2: "Probably Damaging"; Align-GVGD: "Class C0"). In summary, the available evidence is currently insufficient to determine the role of this variant in disease. Therefore, it has been classified as a Variant of Uncertain Significance.